The following is an entry in ClinVar:

NM_138691.3(TMC1):c.1660A>T (p.Asn554Tyr)

Gene: TMC1 (transmembrane channel like 1; plus strand). Cytogenetic location: 9q21.13.
Variant type: single nucleotide variant.
Coding change: c.1660A>T on transcript NM_138691.3 (MANE Select); coding-DNA position 1660, A replaced by T.
Protein change: p.Asn554Tyr; replaces asparagine 554 with tyrosine.
Molecular consequence: missense variant.
Genome position (GRCh38, 1-based): chr9:72,805,475, A>T. VCF-style: chr9-72805475-A-T. GRCh37 (hg19) VCF-style: chr9-75420391-A-T.
Other names: short protein forms N554Y.
Identifiers: ClinVar variation 1064943 (VCV001064943.3), dbSNP rs776624164, ClinGen allele CA5082009.

ClinVar aggregate classification (germline): Uncertain significance (1 of 4 stars; one submission).

Conditions:
Hearing impairment. Also called: Impaired Hearing. Identifiers: MedGen C1384666, MONDO:0005365, HP:0000365.

Allele frequency attached by ClinVar (database versions not stated): gnomAD exomes below 0.00001 and 0.00001; ExAC 0.00001.
gnomAD v4.1: 2 of 1,612,950 alleles (0.00012%); highest among the groups gnomAD compares: Non-Finnish European, 0.00017%; no homozygotes.

Submission:

Department of Otolaryngology – Head & Neck Surgery, Cochlear Implant Center
Classification: Uncertain significance for Hearing impairment. Last evaluated: 2021-04-12. Review status: criteria provided, single submitter. Criteria: ClinGen HL ACMG Specifications v1. Collection method: clinical testing. Allele origin: germline. Affected: yes.
Comment: PM2_Moderate, PP3_Supporting